The following is an entry in ClinVar:

NC_000023.10:g.(?_153641545)_(153648084_?)dup

Gene: TAFAZZIN (tafazzin, phospholipid-lysophospholipid transacylase; plus strand). Cytogenetic location: Xq28.
Variant type: Duplication.
Identifiers: ClinVar variation 2422370 (VCV002422370.4).

ClinVar aggregate classification (germline): Uncertain significance (1 of 4 stars; one submission).

Conditions:
3-Methylglutaconic aciduria type 2 (BTHS). Also called: Barth syndrome; CARDIOSKELETAL MYOPATHY WITH NEUTROPENIA AND ABNORMAL MITOCHONDRIA. Identifiers: Orphanet 111, MedGen C0574083, MONDO:0010543, OMIM 302060.

Submission:

Labcorp Genetics (formerly Invitae), Labcorp
Classification: Uncertain significance for 3-Methylglutaconic aciduria type 2. Last evaluated: 2022-03-25. Review status: criteria provided, single submitter. Criteria: Invitae Variant Classification Sherloc (09022015). Collection method: clinical testing. Allele origin: germline.
Comment: In summary, the available evidence is currently insufficient to determine the role of this variant in disease. Therefore, it has been classified as a Variant of Uncertain Significance. Experimental studies and prediction algorithms are not available or were not evaluated, and the functional significance of this variant is currently unknown. This variant has not been reported in the literature in individuals affected with TAZ-related conditions. This sequence change is a complex rearrangement involving exons 3-7 of the TAZ gene. Although the exact nature of the event is unknown, it likely involves partial copy number gains.